The following is an entry in ClinVar:

ClinVar aggregate classification (germline): Uncertain significance (1 of 4 stars; one submission).

gnomAD v4.1: 1 of 1,613,646 alleles (0.000062%); highest among the groups gnomAD compares: Non-Finnish European, 0.000085%; no homozygotes.

Submission:

Ambry Genetics
Classification: Uncertain significance. Last evaluated: 2025-04-25. Review status: criteria provided, single submitter. Criteria: Ambry Variant Classification Scheme 2023. Collection method: clinical testing. Allele origin: germline.
Comment: The p.P507A variant (also known as c.1519C>G), located in coding exon 16 of the SRP72 gene, results from a C to G substitution at nucleotide position 1519. The proline at codon 507 is replaced by alanine, an amino acid with highly similar properties. This amino acid position is conserved. In addition, the in silico prediction for this alteration is inconclusive. Based on the available evidence, the clinical significance of this variant remains unclear.

NM_006947.4(SRP72):c.1519C>G (p.Pro507Ala)

Gene: SRP72 (signal recognition particle 72; plus strand). Cytogenetic location: 4q12.
Variant type: single nucleotide variant.
Coding change: c.1519C>G on transcript NM_006947.4 (MANE Select); coding-DNA position 1519, C replaced by G.
Protein change: p.Pro507Ala; replaces proline 507 with alanine.
Molecular consequence: missense variant. On other transcripts: non-coding transcript variant (1).
Genome position (GRCh38, 1-based): chr4:56,491,447, C>G. VCF-style: chr4-56491447-C-G. GRCh37 (hg19) VCF-style: chr4-57357613-C-G.
Other names: c.1336C>G, p.Pro446Ala (NM_001267722.2); short protein forms P446A, P507A.
Identifiers: ClinVar variation 3962086 (VCV003962086.1).